The following is an entry in ClinVar:

NM_000719.7(CACNA1C):c.3823C>T (p.Pro1275Ser)

Gene: CACNA1C (calcium voltage-gated channel subunit alpha1 C; plus strand). Cytogenetic location: 12p13.33.
Variant type: single nucleotide variant.
Coding change: c.3823C>T on transcript NM_000719.7 (MANE Select); coding-DNA position 3823, C replaced by T.
Protein change: p.Pro1275Ser; replaces proline 1275 with serine.
Molecular consequence: missense variant.
Genome position (GRCh38, 1-based): chr12:2,612,008, C>T. VCF-style: chr12-2612008-C-T. GRCh37 (hg19) VCF-style: chr12-2721174-C-T.
Other names: c.3883C>T, p.Pro1295Ser (NM_001129827.2, NM_001129832.2, NM_199460.4); c.3823C>T, p.Pro1275Ser (NM_001129829.2, NM_001129830.3, NM_001129831.2 and 15 more transcripts); c.3814C>T, p.Pro1272Ser (NM_001129844.2); short protein forms P1275S, P1295S, P1272S.
Identifiers: ClinVar variation 4762538 (VCV004762538.1).

ClinVar aggregate classification (germline): Uncertain significance (1 of 4 stars; one submission).

Conditions:
Long QT syndrome (LQTS). Identifiers: MedGen C0023976, MeSH D008133, MONDO:0002442. Disease mechanism: loss of function. Inheritance: Various modes of inheritance.

Submission:

Labcorp Genetics (formerly Invitae), Labcorp
Classification: Uncertain significance for Long QT syndrome. Last evaluated: 2025-10-08. Review status: criteria provided, single submitter. Criteria: Invitae Variant Classification Sherloc (09022015). Collection method: clinical testing. Allele origin: germline.
Comment: This sequence change replaces proline, which is neutral and non-polar, with serine, which is neutral and polar, at codon 1275 of the CACNA1C protein (p.Pro1275Ser). This variant is not present in population databases (gnomAD no frequency). This variant has not been reported in the literature in individuals affected with CACNA1C-related conditions. Invitae Evidence Modeling of protein sequence and biophysical properties (such as structural, functional, and spatial information, amino acid conservation, physicochemical variation, residue mobility, and thermodynamic stability) indicates that this missense variant is expected to disrupt CACNA1C protein function with a positive predictive value of 95%. In summary, the available evidence is currently insufficient to determine the role of this variant in disease. Therefore, it has been classified as a Variant of Uncertain Significance.